The following is an entry in ClinVar:

ClinVar aggregate classification (germline): Pathogenic (1 of 4 stars; one submission).

Conditions:
Hereditary cancer-predisposing syndrome. Also called: Hereditary neoplastic syndrome; Neoplastic Syndromes, Hereditary; Tumor predisposition; Hereditary Cancer Syndrome. Identifiers: Orphanet 140162, MedGen C0027672, MeSH D009386, MONDO:0015356.

Submission:

Ambry Genetics
Classification: Pathogenic for Hereditary cancer-predisposing syndrome. Last evaluated: 2025-03-11. Review status: criteria provided, single submitter. Criteria: Ambry Variant Classification Scheme 2023. Collection method: clinical testing. Allele origin: germline.
Comment: The c.933_943del11insC variant, located in coding exon 6 of the FLCN gene, results from the deletion of 11 nucleotides and insertion of one nucleotide causing a translational frameshift with a predicted alternate stop codon (p.V312Rfs*8). This variant is considered to be rare based on population cohorts in the Genome Aggregation Database (gnomAD). This alteration is expected to result in loss of function by premature protein truncation or nonsense-mediated mRNA decay. As such, this alteration is interpreted as a disease-causing mutation.

NM_144997.7(FLCN):c.933_943delinsC (p.Val312fs)

Gene: FLCN (folliculin; minus strand). Cytogenetic location: 17p11.2.
Variant type: Indel.
Coding change: c.933_943delinsC on transcript NM_144997.7 (MANE Select); coding-DNA positions 933 to 943, TGTGTTGCCAG replaced by C.
Protein change: p.Val312fs; shifts the reading frame from valine 312.
Molecular consequence: frameshift variant.
Genome position (GRCh38, 1-based): chr17:17,219,138-17,219,148, CTGGCAACACA replaced by G on the plus strand (TGTGTTGCCAG replaced by C on the coding strand, the reverse complement: FLCN is on the minus strand). VCF-style: chr17-17219138-CTGGCAACACA-G. GRCh37 (hg19) VCF-style: chr17-17122452-CTGGCAACACA-G.
Other names: c.987_997delinsC, p.Val330fs (NM_001353229.2); c.933_943delinsC, p.Val312fs (NM_001353230.2, NM_001353231.2); short protein forms V312fs, V330fs.
Identifiers: ClinVar variation 3850587 (VCV003850587.1).
Genomic context (GRCh38, chr17:17,219,138, plus strand): 5'-AGCCTGAGAGAGAGGAGGACTCTGCCGGGCCCTGGGTCAGCTCCCGCCCTTCTGTACTCT[CTGGCAACACA>G]GGGGCTTTCTCCTCCTCTTCAGCCTCAGAGTTGTCCCAGCTTTCTGATTCCTCTTCTAAA-3'